The following is an entry in ClinVar:

ClinVar aggregate classification (germline): Likely pathogenic (1 of 4 stars; one submission).

Conditions:
Methylmalonic aciduria, cblB type (MACB). Also called: Methylmalonic acidemia cblB type; Vitamin B12-responsive methylmalonic acidemia type cblB; METHYLMALONIC ACIDURIA, VITAMIN B12-RESPONSIVE, DUE TO DEFECT IN SYNTHESIS OF ADENOSYLCOBALAMIN, cblB TYPE. Identifiers: Orphanet 28, Orphanet 79311, MedGen C1855102, MONDO:0009614, OMIM 251110.

Submission:

Myriad Genetics, Inc.
Classification: Likely pathogenic for Methylmalonic aciduria, cblB type. Last evaluated: 2025-04-23. Review status: criteria provided, single submitter. Criteria: Myriad Autosomal Dominant, Autosomal Recessive and X-Linked Classification Criteria (2023). Collection method: clinical testing. Allele origin: unknown.
Comment: NM_052845.3(MMAB):c.196+1G>T is a variant in a canonical splice site classified as likely pathogenic in the context of methylmalonic acidemia, cblB type. c.196+1G>T has not been observed in cases with relevant disease. Relevant functional assessments of this variant are not available in the literature. c.196+1G>T has not been observed in referenced population frequency databases. In summary, NM_052845.3(MMAB):c.196+1G>T is a variant in a canonical splice site in a gene where loss of function is a known mechanism of disease and is predicted to disrupt protein function. Please note: this variant was assessed in the context of healthy population screening.

NM_052845.4(MMAB):c.196+1G>T

Gene: MMAB (metabolism of cobalamin associated B; minus strand). Cytogenetic location: 12q24.11.
Variant type: single nucleotide variant.
Coding change: c.196+1G>T on transcript NM_052845.4 (MANE Select); the canonical splice donor site of the intron after coding-DNA position 196, G replaced by T.
Molecular consequence: splice donor variant.
Genome position (GRCh38, 1-based): chr12:109,571,648, C>A on the plus strand (G>T on the coding strand, the complement: MMAB is on the minus strand). VCF-style: chr12-109571648-C-A. GRCh37 (hg19) VCF-style: chr12-110009453-C-A.
Identifiers: ClinVar variation 4081736 (VCV004081736.1).